The following is an entry in ClinVar:

ClinVar aggregate classification (germline): Conflicting classifications of pathogenicity. Review status: criteria provided, conflicting classifications (1 of 4 stars). 2 submissions from 2 submitters: Uncertain significance (1); Likely benign (1). Last evaluated 2025-01-27.

Conditions:
Short-rib thoracic dysplasia 10 with or without polydactyly (SRTD10). Identifiers: Orphanet 474, MedGen C3810175, MONDO:0014284, OMIM 615630.
Retinitis pigmentosa 71 (RP71). Identifiers: Orphanet 791, MedGen C4225342, MONDO:0014618, OMIM 616394.
IFT172-related disorder. Also called: IFT172-related disorders; IFT172-related condition.

Allele frequency attached by ClinVar (database versions not stated): TOPMed below 0.00001.

Submissions (2):

PreventionGenetics, part of Exact Sciences
Classification: Uncertain significance for IFT172-related condition. Last evaluated: 2025-01-27. Review status: criteria provided, single submitter. Criteria: ACMG Guidelines, 2015. Collection method: clinical testing. Allele origin: germline.
Comment: The IFT172 c.1503C>T variant is not predicted to result in an amino acid change (p.=). To our knowledge, this variant has not been reported in the literature or in a large population database (gnomAD), indicating this variant is rare. This variant is predicted to alter splicing based on available splicing prediction programs (SpliceAI, Jaganathan et al. 2019. PubMed ID: 30661751). However, the use of computer prediction programs is not equivalent to functional evidence. At this time, the clinical significance of this variant is uncertain due to the absence of conclusive functional and genetic evidence.

Labcorp Genetics (formerly Invitae), Labcorp
Classification: Likely benign for Retinitis pigmentosa 71; Short-rib thoracic dysplasia 10 with or without polydactyly. Last evaluated: 2022-02-08. Review status: criteria provided, single submitter. Criteria: Invitae Variant Classification Sherloc (09022015). Collection method: clinical testing. Allele origin: germline.

NM_015662.3(IFT172):c.1503C>T (p.Leu501=)

Gene: IFT172 (intraflagellar transport 172; minus strand). Cytogenetic location: 2p23.3.
Variant type: single nucleotide variant.
Coding change: c.1503C>T on transcript NM_015662.3 (MANE Select); coding-DNA position 1503, C replaced by T.
Protein change: p.Leu501=; no amino-acid change (leucine 501 retained).
Molecular consequence: synonymous variant.
Genome position (GRCh38, 1-based): chr2:27,472,271, G>A on the plus strand (C>T on the coding strand, the complement: IFT172 is on the minus strand). VCF-style: chr2-27472271-G-A. GRCh37 (hg19) VCF-style: chr2-27695138-G-A.
Other names: c.1503C>T (NM_015662.2).
Identifiers: ClinVar variation 1646830 (VCV001646830.9), dbSNP rs1667628081, ClinGen allele CA425410867.